The following is an entry in ClinVar:

NM_005555.4(KRT6B):c.913-3del

Gene: KRT6B (keratin 6B; minus strand). Cytogenetic location: 12q13.13.
Variant type: Deletion.
Coding change: c.913-3del on transcript NM_005555.4 (MANE Select); 3 bases into the intron before coding-DNA position 913, one base deleted (C; older notation c.913-3delC).
Molecular consequence: intron variant.
Genome position (GRCh38, 1-based): chr12:52,449,636, G deleted on the plus strand (C on the coding strand, the reverse complement: KRT6B is on the minus strand). VCF-style (leftmost placement, unchanged base first): chr12-52449635-TG-T. GRCh37 (hg19) VCF-style: chr12-52843419-TG-T.
Identifiers: ClinVar variation 3709155 (VCV003709155.2).

ClinVar aggregate classification (germline): Uncertain significance (1 of 4 stars; one submission).

Submission:

Labcorp Genetics (formerly Invitae), Labcorp
Classification: Uncertain significance. Last evaluated: 2025-01-27. Review status: criteria provided, single submitter. Criteria: Invitae Variant Classification Sherloc (09022015). Collection method: clinical testing. Allele origin: germline.
Comment: This sequence change falls in intron 4 of the KRT6B gene. It does not directly change the encoded amino acid sequence of the KRT6B protein. It affects a nucleotide within the consensus splice site. This variant is present in population databases (rs762053996, gnomAD 0.007%). This variant has not been reported in the literature in individuals affected with KRT6B-related conditions. Variants that disrupt the consensus splice site are a relatively common cause of aberrant splicing (PMID: 17576681, 9536098). Algorithms developed to predict the effect of sequence changes on RNA splicing suggest that this variant may disrupt the consensus splice site. In summary, the available evidence is currently insufficient to determine the role of this variant in disease. Therefore, it has been classified as a Variant of Uncertain Significance.

Literature cited by the submitters: PubMed 17576681; PubMed 9536098.